The following is an entry in ClinVar:

NM_001371623.1(TCOF1):c.527A>T (p.Glu176Val)

Gene: TCOF1 (treacle ribosome biogenesis factor 1; plus strand). Cytogenetic location: 5q32.
Variant type: single nucleotide variant.
Coding change: c.527A>T on transcript NM_001371623.1 (MANE Select); coding-DNA position 527, A replaced by T.
Protein change: p.Glu176Val; replaces glutamic acid 176 with valine.
Molecular consequence: missense variant.
Genome position (GRCh38, 1-based): chr5:150,368,864, A>T. VCF-style: chr5-150368864-A-T. GRCh37 (hg19) VCF-style: chr5-149748427-A-T.
Other names: c.527A>T, p.Glu176Val (NM_000356.4, NM_001008657.3, NM_001135243.2 and 4 more transcripts); short protein forms E176V.
Identifiers: ClinVar variation 4742734 (VCV004742734.1).

ClinVar aggregate classification (germline): Uncertain significance (1 of 4 stars; one submission).

Conditions:
Treacher Collins syndrome 1 (TCS1). Also called: TCOF1-Related Treacher Collins Syndrome. Identifiers: Orphanet 861, MedGen CN315775, MONDO:0007944, OMIM 154500.

Submission:

Labcorp Genetics (formerly Invitae), Labcorp
Classification: Uncertain significance for Treacher Collins syndrome 1. Last evaluated: 2025-12-20. Review status: criteria provided, single submitter. Criteria: Invitae Variant Classification Sherloc (09022015). Collection method: clinical testing. Allele origin: germline.
Comment: This sequence change replaces glutamic acid, which is acidic and polar, with valine, which is neutral and non-polar, at codon 176 of the TCOF1 protein (p.Glu176Val). This variant is not present in population databases (gnomAD no frequency). This variant has not been reported in the literature in individuals affected with TCOF1-related conditions. Invitae Evidence Modeling of protein sequence and biophysical properties (such as structural, functional, and spatial information, amino acid conservation, physicochemical variation, residue mobility, and thermodynamic stability) indicates that this missense variant is not expected to disrupt TCOF1 protein function with a negative predictive value of 80%. In summary, the available evidence is currently insufficient to determine the role of this variant in disease. Therefore, it has been classified as a Variant of Uncertain Significance.